The following is an entry in ClinVar:

ClinVar aggregate classification (germline): Uncertain significance. Review status: criteria provided, multiple submitters, no conflicts (2 of 4 stars). 2 submissions from 2 submitters: Uncertain significance (2). Last evaluated 2024-10-07.

Conditions:
Cardiovascular phenotype. Identifiers: MedGen CN230736.
Long QT syndrome (LQTS). Identifiers: MedGen C0023976, MeSH D008133, MONDO:0002442. Disease mechanism: loss of function. Inheritance: Various modes of inheritance.

Allele frequency attached by ClinVar (database versions not stated): gnomAD exomes below 0.00001; gnomAD 0.00001; TOPMed 0.00002.
gnomAD v4.1: 8 of 1,613,618 alleles (0.0005%); highest among the groups gnomAD compares: Middle Eastern, 0.016%; no homozygotes.

Submissions (2):

Labcorp Genetics (formerly Invitae), Labcorp
Classification: Uncertain significance for Long QT syndrome. Last evaluated: 2024-10-07. Review status: criteria provided, single submitter. Criteria: Invitae Variant Classification Sherloc (09022015). Collection method: clinical testing. Allele origin: germline.
Comment: This sequence change replaces arginine, which is basic and polar, with isoleucine, which is neutral and non-polar, at codon 1978 of the AKAP9 protein (p.Arg1978Ile). This variant is not present in population databases (gnomAD no frequency). This variant has not been reported in the literature in individuals affected with AKAP9-related conditions. ClinVar contains an entry for this variant (Variation ID: 526926). An algorithm developed to predict the effect of missense changes on protein structure and function (PolyPhen-2) suggests that this variant is likely to be disruptive. In summary, the available evidence is currently insufficient to determine the role of this variant in disease. Therefore, it has been classified as a Variant of Uncertain Significance.

Ambry Genetics
Classification: Uncertain significance for Cardiovascular phenotype. Last evaluated: 2018-02-16. Review status: criteria provided, single submitter. Criteria: Ambry Variant Classification Scheme 2023. Collection method: clinical testing. Allele origin: germline.
Comment: The p.R1978I variant (also known as c.5933G>T), located in coding exon 24 of the AKAP9 gene, results from a G to T substitution at nucleotide position 5933. The arginine at codon 1978 is replaced by isoleucine, an amino acid with similar properties. This amino acid position is highly conserved in available vertebrate species. In addition, this alteration is predicted to be tolerated by in silico analysis. Since supporting evidence is limited at this time, the clinical significance of this alteration remains unclear.

NM_005751.5(AKAP9):c.5933G>T (p.Arg1978Ile)

Gene: AKAP9 (A-kinase anchoring protein 9; plus strand). Cytogenetic location: 7q21.2.
Variant type: single nucleotide variant.
Coding change: c.5933G>T on transcript NM_005751.5 (MANE Select); coding-DNA position 5933, G replaced by T.
Protein change: p.Arg1978Ile; replaces arginine 1978 with isoleucine.
Molecular consequence: missense variant.
Genome position (GRCh38, 1-based): chr7:92,062,442, G>T. VCF-style: chr7-92062442-G-T. GRCh37 (hg19) VCF-style: chr7-91691756-G-T.
Other names: c.578G>T, p.Arg193Ile (NM_001379277.1); c.5933G>T, p.Arg1978Ile (NM_147185.3); short protein forms R1978I, R193I.
Identifiers: ClinVar variation 526926 (VCV000526926.12), dbSNP rs1274983523, ClinGen allele CA368132192.